The following is an entry in ClinVar:

NM_001042492.3(NF1):c.988_989del (p.Ala330fs)

Gene: NF1 (neurofibromin 1; plus strand). Cytogenetic location: 17q11.2.
Variant type: Deletion.
Coding change: c.988_989del on transcript NM_001042492.3 (MANE Select); coding-DNA positions 988 to 989, 2 bases deleted (GC; older notation c.988_989delGC).
Protein change: p.Ala330fs; shifts the reading frame from alanine 330.
Molecular consequence: frameshift variant.
Genome position (GRCh38, 1-based): chr17:31,200,521-31,200,522, GC deleted. VCF-style (leftmost placement, unchanged base first): chr17-31200520-AGC-A. GRCh37 (hg19) VCF-style: chr17-29527538-AGC-A.
Other names: c.988_989del, p.Ala330fs (NM_000267.4, NM_001128147.3); short protein forms A330fs.
Identifiers: ClinVar variation 4736117 (VCV004736117.1).

ClinVar aggregate classification (germline): Pathogenic (1 of 4 stars; one submission).

Conditions:
Neurofibromatosis, type 1 (NF1). Also called: VON RECKLINGHAUSEN DISEASE; Peripheral type neurofibromatosis; NEUROFIBROMATOSIS, TYPE I, SOMATIC; Neurofibromatosis, type I. Identifiers: Orphanet 636, MedGen C0027831, MONDO:0018975, OMIM 162200. Disease mechanism: loss of function.

Submission:

Labcorp Genetics (formerly Invitae), Labcorp
Classification: Pathogenic for Neurofibromatosis, type 1. Last evaluated: 2026-01-25. Review status: criteria provided, single submitter. Criteria: Invitae Variant Classification Sherloc (09022015). Collection method: clinical testing. Allele origin: germline.
Comment: This sequence change creates a premature translational stop signal (p.Ala330Lysfs*9) in the NF1 gene. It is expected to result in an absent or disrupted protein product. Loss-of-function variants in NF1 are known to be pathogenic (PMID: 10712197, 23913538). This variant is not present in population databases (gnomAD no frequency). This variant has not been reported in the literature in individuals affected with NF1-related conditions. Algorithms developed to predict the effect of sequence changes on RNA splicing suggest that this variant may disrupt the consensus splice site. For these reasons, this variant has been classified as Pathogenic.

Literature cited by the submitters: PubMed 10712197; PubMed 23913538.